The following is an entry in ClinVar:

ClinVar aggregate classification (germline): Benign. Review status: criteria provided, multiple submitters, no conflicts (2 of 4 stars). 3 submissions from 3 submitters: Benign (3). Last evaluated 2024-01-24.

Allele frequency attached by ClinVar (database versions not stated): gnomAD exomes 0.36487; ESP Exome Variant Server 0.37324; gnomAD 0.37873 and 0.37913; TOPMed 0.38090; 1000 Genomes Project 30x 0.41084; 1000 Genomes Project 0.41114.
gnomAD v4.1: 565,227 of 1,541,266 alleles (37%); highest among the groups gnomAD compares: East Asian, 44%; 104,667 homozygotes.

Submissions (3):

Unidad de Genómica Garrahan, Hospital de Pediatría Garrahan
Classification: Benign. Last evaluated: 2024-01-24. Review status: criteria provided, single submitter. Criteria: ACMG Guidelines, 2015. Collection method: clinical testing. Allele origin: germline. Affected: no. Observed: 46 variant alleles.
Comment: This variant is classified as Benign based on local population frequency. This variant was detected in 52% of patients studied by a panel of primary immunodeficiencies. Number of patients: 46. Only high quality variants are reported.

GeneDx
Classification: Benign. Last evaluated: 2018-07-09. Review status: criteria provided, single submitter. Criteria: GeneDx Variant Classification Process June 2021. Collection method: clinical testing. Allele origin: germline. Affected: yes.

Breakthrough Genomics
Classification: Benign. Review status: criteria provided, single submitter. Criteria: ACMG Guidelines, 2015. Collection method: not provided. Allele origin: germline. Inheritance: Autosomal recessive inheritance. Affected: yes.

NM_001127198.5(TMC6):c.1812-54T>A

Gene: TMC6 (transmembrane channel like 6; minus strand). Cytogenetic location: 17q25.3.
Variant type: single nucleotide variant.
Coding change: c.1812-54T>A on transcript NM_001127198.5 (MANE Select); 54 bases into the intron before coding-DNA position 1812, T replaced by A.
Molecular consequence: intron variant.
Genome position (GRCh38, 1-based): chr17:78,119,100, A>T on the plus strand (T>A on the coding strand, the complement: TMC6 is on the minus strand). VCF-style: chr17-78119100-A-T. GRCh37 (hg19) VCF-style: chr17-76115181-A-T.
Other names: c.1632-54T>A (NM_001374594.1, NM_001374593.1); c.1812-54T>A (NM_001374596.1, NM_007267.7, NM_001321185.1 and 2 more transcripts).
Identifiers: ClinVar variation 1277491 (VCV001277491.4), dbSNP rs2252496, ClinGen allele CA14388534.
Genomic context (GRCh38, chr17:78,119,100, plus strand): 5'-CCCCAGCCTGGGGAGGGGGTGGCAGTTCAGGGGCTGCTCCAGTGCCCTCCCCTCCCCGAG[A>T]TCAGGCTGGTTCCAGACCACGGGCAGGGCATGTGACAGTGGCCAAAACTGAGTCCCCGGG-3'